The following is an entry in ClinVar:

ClinVar aggregate classification (germline): Likely pathogenic (1 of 4 stars; one submission).

Conditions:
Ehlers-Danlos syndrome due to tenascin-X deficiency (EDSCLL1). Also called: EHLERS-DANLOS SYNDROME, CLASSIC-LIKE; EDS DUE TO TNX DEFICIENCY; Ehlers-Danlos syndrome, classic-like, 1; TNXB-Related Classical-Like Ehlers-Danlos Syndrome; TNX DEFICIENCY. Identifiers: Orphanet 230839, MedGen C1848029, MONDO:0011670, OMIM 606408.

Submission:

3billion
Classification: Likely pathogenic for Ehlers-Danlos syndrome due to tenascin-X deficiency. Last evaluated: 2024-08-01. Review status: criteria provided, single submitter. Criteria: ACMG Guidelines, 2015. Collection method: clinical testing. Allele origin: germline. Affected: yes.
Comment: The variant is not observed in the gnomAD v4.0.0 dataset. Predicted Consequence/Location: Frameshift: predicted to result in a loss or disruption of normal protein function through nonsense-mediated decay (NMD) or protein truncation. Multiple pathogenic variants are reported downstream of the variant. Therefore, this variant is classified as Likely pathogenic according to the recommendation of ACMG/AMP guideline.

NM_001365276.2(TNXB):c.7376dup (p.Glu2460fs)

Gene: TNXB (tenascin XB; minus strand). Cytogenetic location: 6p21.33.
Variant type: Duplication.
Coding change: c.7376dup on transcript NM_001365276.2 (MANE Select); coding-DNA position 7376, one base duplicated (G; older notation c.7376dupG).
Protein change: p.Glu2460fs; shifts the reading frame from glutamic acid 2460.
Molecular consequence: frameshift variant.
Genome position (GRCh38, 1-based): chr6:32,061,513, C duplicated on the plus strand (G on the coding strand, the reverse complement: TNXB is on the minus strand); the first of 5 consecutive C bases (chr6:32,061,513-32,061,517); duplicating any one gives the same sequence. VCF-style (leftmost placement, unchanged base first): chr6-32061512-G-GC. GRCh37 (hg19) VCF-style: chr6-32029289-G-GC.
Other names: c.8117dup, p.Glu2707fs (NM_001428335.1); c.7376dup, p.Glu2460fs (NM_019105.8); short protein forms E2460fs, E2707fs.
Identifiers: ClinVar variation 4293308 (VCV004293308.1).